The following is an entry in ClinVar:

NM_032043.3(BRIP1):c.2046T>C (p.Ser682=)

Gene: BRIP1 (BRCA1 interacting DNA helicase 1; minus strand). Cytogenetic location: 17q23.2.
Variant type: single nucleotide variant.
Coding change: c.2046T>C on transcript NM_032043.3 (MANE Select); coding-DNA position 2046, T replaced by C.
Protein change: p.Ser682=; no amino-acid change (serine 682 retained).
Molecular consequence: synonymous variant.
Genome position (GRCh38, 1-based): chr17:61,776,452, A>G on the plus strand (T>C on the coding strand, the complement: BRIP1 is on the minus strand). VCF-style: chr17-61776452-A-G. GRCh37 (hg19) VCF-style: chr17-59853813-A-G.
Identifiers: ClinVar variation 1119259 (VCV001119259.11), dbSNP rs2145028480, ClinGen allele CA501150149.

ClinVar aggregate classification (germline): Benign/Likely benign. Review status: criteria provided, multiple submitters, no conflicts (2 of 4 stars). 2 submissions from 2 submitters: Benign (1); Likely benign (1). Last evaluated 2025-04-21.

Conditions:
Familial cancer of breast. Also called: BREAST CANCER, FAMILIAL; Hereditary breast cancer; hereditary breast carcinoma. Identifiers: Orphanet 227535, MedGen C0346153, MONDO:0016419, OMIM 114480. Disease mechanism: loss of function.
Fanconi anemia complementation group J. Also called: BRIP1-Related Fanconi Anemia. Identifiers: Orphanet 84, MedGen C1836860, MONDO:0012187, OMIM 609054.

Submissions (2):

Labcorp Genetics (formerly Invitae), Labcorp
Classification: Likely benign for Familial cancer of breast; Fanconi anemia complementation group J. Last evaluated: 2025-04-21. Review status: criteria provided, single submitter. Criteria: Invitae Variant Classification Sherloc (09022015). Collection method: clinical testing. Allele origin: germline.

Myriad Genetics, Inc.
Classification: Benign for Familial cancer of breast. Last evaluated: 2024-09-03. Review status: criteria provided, single submitter. Criteria: Myriad Autosomal Dominant, Autosomal Recessive and X-Linked Classification Criteria (2023). Collection method: clinical testing. Allele origin: unknown.
Comment: This variant is considered benign. This variant is a silent/synonymous amino acid change and it is not expected to impact splicing.